The following is an entry in ClinVar:

NM_000051.4(ATM):c.3550G>T (p.Gly1184Ter)

Gene: ATM (ATM serine/threonine kinase; plus strand). Cytogenetic location: 11q22.3.
Variant type: single nucleotide variant.
Coding change: c.3550G>T on transcript NM_000051.4 (MANE Select); coding-DNA position 3550, G replaced by T.
Protein change: p.Gly1184Ter; replaces glycine 1184 with a stop codon.
Molecular consequence: nonsense.
Genome position (GRCh38, 1-based): chr11:108,281,142, G>T. VCF-style: chr11-108281142-G-T. GRCh37 (hg19) VCF-style: chr11-108151869-G-T.
Other names: c.3550G>T, p.Gly1184Ter (NM_001351834.2); short protein forms G1184*.
Identifiers: ClinVar variation 1456644 (VCV001456644.6), dbSNP rs1555091402, ClinGen allele CA382520434.
Genomic context (GRCh38, chr11:108,281,142, plus strand): 5'-TGTAGCCCTATCTGCGAAAAACAGGCTTTGTTTGCCCTGTGTAAATCTGTGAAAGAGAAT[G>T]GATTAGAACCTCACCTTGTGAAAAAGGTATATATGGATGAGTATTTTATTAGAAGCTTCC-3'

ClinVar aggregate classification (germline): Pathogenic (1 of 4 stars; one submission).

Conditions:
Ataxia-telangiectasia syndrome (AT). Also called: Ataxia-telangiectasia, complementation group E; LOUIS-BAR SYNDROME; Ataxia-telangiectasia, complementation group D; AT, COMPLEMENTATION GROUP C; Ataxia-telangiectasia; Cerebello-oculocutaneous telangiectasia. Identifiers: Orphanet 100, MedGen C0004135, MONDO:0008840, OMIM 208900.

Submission:

Labcorp Genetics (formerly Invitae), Labcorp
Classification: Pathogenic for Ataxia-telangiectasia syndrome. Last evaluated: 2021-06-17. Review status: criteria provided, single submitter. Criteria: Invitae Variant Classification Sherloc (09022015). Collection method: clinical testing. Allele origin: germline.
Comment: For these reasons, this variant has been classified as Pathogenic. This variant has not been reported in the literature in individuals with ATM-related conditions. This variant is not present in population databases (ExAC no frequency). This sequence change creates a premature translational stop signal (p.Gly1184*) in the ATM gene. It is expected to result in an absent or disrupted protein product. Loss-of-function variants in ATM are known to be pathogenic (PMID: 23807571, 25614872).

Literature cited by the submitters: PubMed 23807571; PubMed 25614872.